The following is an entry in ClinVar:

ClinVar aggregate classification (germline): Pathogenic. Review status: criteria provided, single submitter (1 of 4 stars). 3 submissions from 3 submitters: Pathogenic (1). 2 of the submissions do not count toward it.

Conditions:
Axenfeld-Rieger syndrome type 3 (RIEG3). Also called: AXENFELD-RIEGER ANOMALY WITH CARDIAC DEFECTS AND/OR SENSORINEURAL HEARING LOSS. Identifiers: Orphanet 782, MedGen C2678503, MONDO:0011233, OMIM 602482.

Submissions (3):

Institute for Genomic Statistics and Bioinformatics, University Hospital Bonn
Classification: Pathogenic for Axenfeld-Rieger syndrome type 3. Review status: criteria provided, single submitter. Criteria: ACMG Guidelines, 2015. Collection method: clinical testing. Allele origin: de novo. Inheritance: Autosomal dominant inheritance. Affected: yes. Observed: 1 heterozygote.
Comment: Trio exome sequencing and subsequent analysis of the genes with the ten highest PEDIA values (PMID: 31164752) revealed a disease-causing missense variant in the FOXC1 gene. The sequencing of exon 1 (NM_001453) revealed a heterozygous base exchange at nucleotide position 392 of the cDNA. The name of the variant is: c.392C> G; p. (Ser131Trp). This replaces the codon for the amino acid serine (TCG) with the codon for the amino acid glycine (TGG). The result was confirmed on a second blood sample using Sanger sequencing. In population-related databases, the above-mentioned Missense variant not recorded. It is listed once in the phenotype-related databases LOVD and HGMD. In LOVD it is classified as likely pathogenic and in HGMD as disease causing mutation. The mutation prediction programs MutationTaster, SIFT and PolyPhen-2 estimate the variant as pathogenic, the CADD score is 33. The FOXC1 gene codes for a transcription factor. The detected variant is in a conserved position of the DNA binding domains ("fork-head" domains). The ACMG classification is pathogenic (classification 5: PS2 PS1 PM2 PM5 PP3 PP4). Certain variants in the FOXC1 gene can lead to the autosomal dominant hereditary Axenfeld-Rieger syndrome type 3 (OMIM # 602482), in which there are characteristically malformations of the eye that are often combined with other malformations / symptoms: facial dysmorphia with hypertelorism and midface hypoplasia, heart defects, hearing loss, hypospadias, increased periumbilical skin, hypoplasia of the vermis cerebelli, tooth abnormalities and anal stenoses. The detected variant in the FOXC1 gene has already been described in a patient with Axenfeld Rieger syndrome type 3 with iris hypoplasia, congenital scoliosis and tooth abnormalities (PMID # 20881294). A variant at the same amino acid position p. (Ser131Leu) was also published as causative for Axenfeld-Rieger syndrome type 3 with glaucoma (PMID # 9620769).

Diagnostic Laboratory, Department of Genetics, University Medical Center Groningen
Classification: Likely pathogenic. Review status: no assertion criteria provided. Collection method: clinical testing. Allele origin: germline. Affected: yes. Study: VKGL Data-share Consensus. Not counted in ClinVar's aggregate classification.

Joint Genome Diagnostic Labs from Nijmegen and Maastricht, Radboudumc and MUMC+
Classification: Likely pathogenic. Review status: no assertion criteria provided. Collection method: clinical testing. Allele origin: germline. Affected: yes. Study: VKGL Data-share Consensus. Not counted in ClinVar's aggregate classification.

NM_001453.3(FOXC1):c.392C>G (p.Ser131Trp)

Gene: FOXC1 (forkhead box C1; plus strand). Cytogenetic location: 6p25.3.
Variant type: single nucleotide variant.
Coding change: c.392C>G on transcript NM_001453.3 (MANE Select); coding-DNA position 392, C replaced by G.
Protein change: p.Ser131Trp; replaces serine 131 with tryptophan.
Molecular consequence: missense variant.
Genome position (GRCh38, 1-based): chr6:1,610,837, C>G. VCF-style: chr6-1610837-C-G. GRCh37 (hg19) VCF-style: chr6-1611072-C-G.
Other names: short protein forms S131W.
Identifiers: ClinVar variation 916046 (VCV000916046.8), dbSNP rs104893957, ClinGen allele CA362558718.